The following is an entry in ClinVar:

ClinVar aggregate classification (germline): Uncertain significance (1 of 4 stars; one submission).

Conditions:
Duchenne muscular dystrophy (DMD). Also called: MUSCULAR DYSTROPHY, PSEUDOHYPERTROPHIC PROGRESSIVE, DUCHENNE TYPE; Duchenne Muscular Dystrophy (DMD). Identifiers: Orphanet 98896, MedGen C0013264, MONDO:0010679, OMIM 310200.

Submission:

Labcorp Genetics (formerly Invitae), Labcorp
Classification: Uncertain significance for Duchenne muscular dystrophy. Last evaluated: 2022-12-22. Review status: criteria provided, single submitter. Criteria: Invitae Variant Classification Sherloc (09022015). Collection method: clinical testing. Allele origin: germline.
Comment: In summary, the available evidence is currently insufficient to determine the role of this variant in disease. Therefore, it has been classified as a Variant of Uncertain Significance. Advanced modeling of protein sequence and biophysical properties (such as structural, functional, and spatial information, amino acid conservation, physicochemical variation, residue mobility, and thermodynamic stability) performed at Invitae indicates that this missense variant is not expected to disrupt DMD protein function. This variant has not been reported in the literature in individuals affected with DMD-related conditions. This variant is not present in population databases (gnomAD no frequency). This sequence change replaces isoleucine, which is neutral and non-polar, with methionine, which is neutral and non-polar, at codon 1523 of the DMD protein (p.Ile1523Met).

NM_004006.3(DMD):c.4569A>G (p.Ile1523Met)

Gene: DMD (dystrophin; minus strand). Cytogenetic location: Xp21.1.
Variant type: single nucleotide variant.
Coding change: c.4569A>G on transcript NM_004006.3 (MANE Select); coding-DNA position 4569, A replaced by G.
Protein change: p.Ile1523Met; replaces isoleucine 1523 with methionine.
Molecular consequence: missense variant.
Genome position (GRCh38, 1-based): chrX:32,386,415, T>C on the plus strand (A>G on the coding strand, the complement: DMD is on the minus strand). VCF-style: chrX-32386415-T-C. GRCh37 (hg19) VCF-style: chrX-32404532-T-C.
Other names: c.4545A>G, p.Ile1515Met (NM_000109.4); c.4557A>G, p.Ile1519Met (NM_004009.3); c.4200A>G, p.Ile1400Met (NM_004010.3); c.546A>G, p.Ile182Met (NM_004011.4); c.537A>G, p.Ile179Met (NM_004012.4); short protein forms I179M, I182M, I1515M, I1519M, I1400M, I1523M.
Identifiers: ClinVar variation 2808175 (VCV002808175.3), dbSNP rs2523043575, ClinGen allele CA412662700.